The following is an entry in ClinVar:

NM_203446.3(SYNJ1):c.2527C>G (p.Pro843Ala)

Gene: SYNJ1 (synaptojanin 1; minus strand). Cytogenetic location: 21q22.11.
Variant type: single nucleotide variant.
Coding change: c.2527C>G on transcript NM_203446.3 (MANE Select); coding-DNA position 2527, C replaced by G.
Protein change: p.Pro843Ala; replaces proline 843 with alanine.
Molecular consequence: missense variant.
Genome position (GRCh38, 1-based): chr21:32,657,055, G>C on the plus strand (C>G on the coding strand, the complement: SYNJ1 is on the minus strand). VCF-style: chr21-32657055-G-C. GRCh37 (hg19) VCF-style: chr21-34029365-G-C.
Other names: c.2527C>G, p.Pro843Ala (NM_001160302.2); c.2512C>G, p.Pro838Ala (NM_001160306.2); c.2644C>G, p.Pro882Ala (NM_003895.4); short protein forms P838A, P882A, P843A.
Identifiers: ClinVar variation 2114911 (VCV002114911.4), dbSNP rs2040486937, ClinGen allele CA410074365.
Genomic context (GRCh38, chr21:32,657,055, plus strand): 5'-GCTTAAACCTGTGGTCAGAAGTCTTCAGCTCAGCTCTTCCATAGTGCAGCAAAGTGCCTG[G>C]AGTCCACGTGTACAGAATTTTGCTTTCATCTTGAAAACTAGCATTTAGAAGATCTAGATC-3'
Protein context (NP_982271.3, residues 833-853): DESKILYTWT[Pro843Ala]GTLLHYGRAE

ClinVar aggregate classification (germline): Uncertain significance (1 of 4 stars; one submission).

Conditions:
Developmental and epileptic encephalopathy, 53. Also called: Epileptic encephalopathy, early infantile, 53. Identifiers: MedGen C4479313, MONDO:0033362, OMIM 617389.
Early-onset Parkinson disease 20. Also called: PARKINSON DISEASE 20, AUTOSOMAL RECESSIVE EARLY-ONSET. Identifiers: Orphanet 391411, MedGen C3809824, MONDO:0014233, OMIM 615530.

Allele frequency attached by ClinVar (database versions not stated): TOPMed below 0.00001.

Submission:

Labcorp Genetics (formerly Invitae), Labcorp
Classification: Uncertain significance for Developmental and epileptic encephalopathy, 53; Early-onset Parkinson disease 20. Last evaluated: 2022-04-24. Review status: criteria provided, single submitter. Criteria: Invitae Variant Classification Sherloc (09022015). Collection method: clinical testing. Allele origin: germline.
Comment: In summary, the available evidence is currently insufficient to determine the role of this variant in disease. Therefore, it has been classified as a Variant of Uncertain Significance. Algorithms developed to predict the effect of missense changes on protein structure and function are either unavailable or do not agree on the potential impact of this missense change (SIFT: "Tolerated"; PolyPhen-2: "Possibly Damaging"; Align-GVGD: "Class C0"). This variant has not been reported in the literature in individuals affected with SYNJ1-related conditions. This variant is not present in population databases (gnomAD no frequency). This sequence change replaces proline, which is neutral and non-polar, with alanine, which is neutral and non-polar, at codon 882 of the SYNJ1 protein (p.Pro882Ala).